The following is an entry in ClinVar:

NM_052874.5(STX1B):c.500T>C (p.Met167Thr)

Gene: STX1B (syntaxin 1B; minus strand). Cytogenetic location: 16p11.2.
Variant type: single nucleotide variant.
Coding change: c.500T>C on transcript NM_052874.5 (MANE Select); coding-DNA position 500, T replaced by C.
Protein change: p.Met167Thr; replaces methionine 167 with threonine.
Molecular consequence: missense variant.
Genome position (GRCh38, 1-based): chr16:30,996,720, A>G on the plus strand (T>C on the coding strand, the complement: STX1B is on the minus strand). VCF-style: chr16-30996720-A-G. GRCh37 (hg19) VCF-style: chr16-31008041-A-G.
Other names: short protein forms M167T.
Identifiers: ClinVar variation 1744757 (VCV001744757.2), dbSNP rs2543959168, ClinGen allele CA395648724.
Genomic context (GRCh38, chr16:30,996,720, plus strand): 5'-AGCCCGCCCCACCCGCGGCTCACGTCATCTGTGAAGATGGCCAGCTTCCCGCTCTCCAGC[A>G]TGTCTTCCAGTTCTTCGTTGGTGGTGGTCCTTCCAGCTGCGGGAAGAAAGGACTCCCTGC-3'
Protein context (NP_443106.1, residues 157-177): RTTTNEELED[Met167Thr]LESGKLAIFT

ClinVar aggregate classification (germline): Uncertain significance (1 of 4 stars; one submission).

Conditions:
Inborn genetic diseases. Identifiers: MedGen C0950123, MeSH D030342.

Submission:

Ambry Genetics
Classification: Uncertain significance for Inborn genetic diseases. Last evaluated: 2017-11-02. Review status: criteria provided, single submitter. Criteria: Ambry Variant Classification Scheme 2023. Collection method: clinical testing. Allele origin: germline.
Comment: The p.M167T variant (also known as c.500T>C), located in coding exon 7 of the STX1B gene, results from a T to C substitution at nucleotide position 500. The methionine at codon 167 is replaced by threonine, an amino acid with similar properties. This amino acid position is highly conserved in available vertebrate species. In addition, this alteration is predicted to be deleterious by in silico analysis. Since supporting evidence is limited at this time, the clinical significance of this alteration remains unclear.